The following is an entry in ClinVar:

ClinVar aggregate classification (germline): Pathogenic/Likely pathogenic. Review status: criteria provided, multiple submitters, no conflicts (2 of 4 stars). 2 submissions from 2 submitters: Pathogenic (1); Likely pathogenic (1). Last evaluated 2022-06-23.

Conditions:
Charcot-Marie-Tooth disease type 2. Also called: Charcot-Marie-Tooth type 2. Identifiers: Orphanet 64746, MedGen C0270914, MONDO:0018993.

Submissions (2):

Labcorp Genetics (formerly Invitae), Labcorp
Classification: Pathogenic for Charcot-Marie-Tooth disease type 2. Last evaluated: 2022-06-23. Review status: criteria provided, single submitter. Criteria: Invitae Variant Classification Sherloc (09022015). Collection method: clinical testing. Allele origin: germline.
Comment: This variant is not present in population databases (gnomAD no frequency). This sequence change replaces isoleucine, which is neutral and non-polar, with threonine, which is neutral and polar, at codon 88 of the MFN2 protein (p.Ile88Thr). This missense change has been observed in individual(s) with clinical features of autosomal dominant Charcot-Marie-Tooth disease (Invitae). In at least one individual the variant was observed to be de novo. ClinVar contains an entry for this variant (Variation ID: 994586). Advanced modeling of protein sequence and biophysical properties (such as structural, functional, and spatial information, amino acid conservation, physicochemical variation, residue mobility, and thermodynamic stability) performed at Invitae indicates that this missense variant is expected to disrupt MFN2 protein function. This variant disrupts the p.Ile88 amino acid residue in MFN2. Other variant(s) that disrupt this residue have been determined to be pathogenic (PMID: 26392352; Invitae). This suggests that this residue is clinically significant, and that variants that disrupt this residue are likely to be disease-causing. For these reasons, this variant has been classified as Pathogenic.

Athena Diagnostics
Classification: Likely pathogenic. Last evaluated: 2020-06-18. Review status: criteria provided, single submitter. Criteria: Athena Diagnostics Criteria. Collection method: clinical testing. Allele origin: unknown.
Comment: Not found in the total gnomAD dataset, and the data is high quality. Found in at least one patient with expected phenotype for this gene. Predicted to have a damaging effect on the protein.

Literature cited by the submitters: PubMed 26392352 (cited by Labcorp Genetics (formerly Invitae), Labcorp).

NM_014874.4(MFN2):c.263T>C (p.Ile88Thr)

Gene: MFN2 (mitofusin 2; plus strand). Cytogenetic location: 1p36.22.
Variant type: single nucleotide variant.
Coding change: c.263T>C on transcript NM_014874.4 (MANE Select); coding-DNA position 263, T replaced by C.
Protein change: p.Ile88Thr; replaces isoleucine 88 with threonine.
Molecular consequence: missense variant.
Genome position (GRCh38, 1-based): chr1:11,992,642, T>C. VCF-style: chr1-11992642-T-C. GRCh37 (hg19) VCF-style: chr1-12052699-T-C.
Other names: c.263T>C, p.Ile88Thr (NM_001127660.2); short protein forms I88T.
Identifiers: ClinVar variation 994586 (VCV000994586.9), dbSNP rs1638739035, ClinGen allele CA338462082.